The following is an entry in ClinVar:

NM_000355.4(TCN2):c.1022C>T (p.Pro341Leu)

Gene: TCN2 (transcobalamin 2; plus strand). Cytogenetic location: 22q12.2.
Variant type: single nucleotide variant.
Coding change: c.1022C>T on transcript NM_000355.4 (MANE Select); coding-DNA position 1022, C replaced by T.
Protein change: p.Pro341Leu; replaces proline 341 with leucine.
Molecular consequence: missense variant.
Genome position (GRCh38, 1-based): chr22:30,617,411, C>T. VCF-style: chr22-30617411-C-T. GRCh37 (hg19) VCF-style: chr22-31013398-C-T.
Other names: c.941C>T, p.Pro314Leu (NM_001184726.2); short protein forms P314L, P341L.
Identifiers: ClinVar variation 845593 (VCV000845593.7), dbSNP rs1017195499, ClinGen allele CA323235155.
Genomic context (GRCh38, chr22:30,617,411, plus strand): 5'-AGACCATTCCTCAGACCCAAGAGATCATCAGTGTCACGCTGCAGGTGCTTAGTCTCTTGC[C>T]GCCGTACAGACAGTCCATCTCTGTTCTGGCCGGGTCCACCGTGGAAGATGTCCTGAAGAA-3'
Protein context (NP_000346.2, residues 331-351): SVTLQVLSLL[Pro341Leu]PYRQSISVLA

ClinVar aggregate classification (germline): Conflicting classifications of pathogenicity. Review status: criteria provided, conflicting classifications (1 of 4 stars). 2 submissions from 2 submitters: Uncertain significance (1); Likely benign (1). Last evaluated 2023-10-02.

Conditions:
Transcobalamin II deficiency (TCN2D). Also called: TC II DEFICIENCY; TCN2 DEFICIENCY; Transcolabamin II deficiency. Identifiers: Orphanet 859, MedGen C0342701, MONDO:0010149, OMIM 275350.
Inborn genetic diseases. Identifiers: MedGen C0950123, MeSH D030342.

Allele frequency attached by ClinVar (database versions not stated): gnomAD exomes 0.00001 and 0.00002; gnomAD 0.00002; TOPMed 0.00004.
gnomAD v4.1: 31 of 1,613,940 alleles (0.0019%); highest among the groups gnomAD compares: African/African-American, 0.004%; no homozygotes.

Submissions (2):

Ambry Genetics
Classification: Likely benign for Inborn genetic diseases. Last evaluated: 2023-10-02. Review status: criteria provided, single submitter. Criteria: Ambry Variant Classification Scheme 2023. Collection method: clinical testing. Allele origin: germline.

Labcorp Genetics (formerly Invitae), Labcorp
Classification: Uncertain significance for Transcobalamin II deficiency. Last evaluated: 2021-09-01. Review status: criteria provided, single submitter. Criteria: Invitae Variant Classification Sherloc (09022015). Collection method: clinical testing. Allele origin: germline.
Comment: This sequence change replaces proline with leucine at codon 341 of the TCN2 protein (p.Pro341Leu). The proline residue is moderately conserved and there is a moderate physicochemical difference between proline and leucine. This variant is not present in population databases (ExAC no frequency). This variant has not been reported in the literature in individuals affected with TCN2-related conditions. Algorithms developed to predict the effect of missense changes on protein structure and function output the following: SIFT: "Tolerated"; PolyPhen-2: "Benign"; Align-GVGD: "Class C0". The leucine amino acid residue is found in multiple mammalian species, which suggests that this missense change does not adversely affect protein function. In summary, the available evidence is currently insufficient to determine the role of this variant in disease. Therefore, it has been classified as a Variant of Uncertain Significance.